The following is an entry in ClinVar:

NM_198525.3(KIF7):c.2354A>T (p.Glu785Val)

Gene: KIF7 (kinesin family member 7; minus strand). Cytogenetic location: 15q26.1.
Variant type: single nucleotide variant.
Coding change: c.2354A>T on transcript NM_198525.3 (MANE Select); coding-DNA position 2354, A replaced by T.
Protein change: p.Glu785Val; replaces glutamic acid 785 with valine.
Molecular consequence: missense variant.
Genome position (GRCh38, 1-based): chr15:89,642,243, T>A on the plus strand (A>T on the coding strand, the complement: KIF7 is on the minus strand). VCF-style: chr15-89642243-T-A. GRCh37 (hg19) VCF-style: chr15-90185474-T-A.
Other names: short protein forms E785V.
Identifiers: ClinVar variation 452288 (VCV000452288.4), dbSNP rs759424882, ClinGen allele CA274576907.

ClinVar aggregate classification (germline): Uncertain significance. Review status: criteria provided, multiple submitters, no conflicts (2 of 4 stars). 3 submissions from 3 submitters: Uncertain significance (3). Last evaluated 2022-11-09.

Conditions:
Hydrolethalus syndrome 2 (HLS2). Identifiers: Orphanet 2189, MedGen C3279899, MONDO:0013585, OMIM 614120.
Multiple epiphyseal dysplasia, Al-Gazali type. Also called: Macrocephaly with multiple epiphyseal dysplasia and distinctive facies. Identifiers: Orphanet 166024, MedGen C1846722, MONDO:0011778, OMIM 607131.
Acrocallosal syndrome (ACLS). Also called: HALLUX DUPLICATION, POSTAXIAL POLYDACTYLY, AND ABSENCE OF CORPUS CALLOSUM; Schinzel syndrome 1; Absence of corpus callosum with unusual facial appearance, mental deficiency, duplication of the halluces and polydactyly. Identifiers: Orphanet 36, MedGen C0796147, MONDO:0008708, OMIM 200990.

Allele frequency attached by ClinVar (database versions not stated): gnomAD exomes 0.00001 and 0.00002.
gnomAD v4.1: 31 of 1,610,464 alleles (0.0019%); highest among the groups gnomAD compares: Non-Finnish European, 0.0025%; no homozygotes.

Submissions (3):

Blueprint Genetics
Classification: Uncertain significance. Last evaluated: 2022-11-09. Review status: criteria provided, single submitter. Criteria: ACMG Guidelines, 2015. Collection method: clinical testing. Allele origin: germline.

Fulgent Genetics
Classification: Uncertain significance for Acrocallosal syndrome; Multiple epiphyseal dysplasia, Al-Gazali type; Hydrolethalus syndrome 2. Last evaluated: 2018-10-31. Review status: criteria provided, single submitter. Criteria: ACMG Guidelines, 2015. Collection method: clinical testing. Allele origin: unknown.

GeneDx
Classification: Uncertain significance. Last evaluated: 2017-09-25. Review status: criteria provided, single submitter. Criteria: GeneDx Variant Classification (06012015). Collection method: clinical testing. Allele origin: germline. Affected: yes.
Comment: The E785V variant has not been published as a pathogenic variant, nor has it been reported as a benign variant to our knowledge. The E785V variant is not observed in large population cohorts (Lek et al., 2016). The E785V variant is a non-conservative amino acid substitution, which is likely to impact secondary protein structure as these residues differ in polarity, charge, size and/or other properties. This substitution occurs at a position that is conserved across species, and in silico analysis predicts this variant is probably damaging to the protein structure/function. Based on the currently available information, it is unclear whether this variant is a pathogenic variant or a rare benign variant.